The following is an entry in ClinVar:

ClinVar aggregate classification (germline): Conflicting classifications of pathogenicity. Review status: criteria provided, conflicting classifications (1 of 4 stars). 5 submissions from 5 submitters: Pathogenic (1); Uncertain significance (3); Likely benign (1). Last evaluated 2025-05-05.

Conditions:
Hereditary cancer-predisposing syndrome. Also called: Neoplastic Syndromes, Hereditary; Hereditary Cancer Syndrome; Tumor predisposition; Hereditary neoplastic syndrome. Identifiers: Orphanet 140162, MedGen C0027672, MeSH D009386, MONDO:0015356.
Cardiovascular phenotype. Identifiers: MedGen CN230736.
Neurofibromatosis, type 1 (NF1). Also called: Peripheral type neurofibromatosis; Neurofibromatosis, type I; VON RECKLINGHAUSEN DISEASE; NEUROFIBROMATOSIS, TYPE I, SOMATIC. Identifiers: Orphanet 636, MedGen C0027831, MONDO:0018975, OMIM 162200. Disease mechanism: loss of function.

Allele frequency attached by ClinVar (database versions not stated): gnomAD exomes below 0.00001 and 0.00001; ExAC 0.00002.
gnomAD v4.1: 2 of 1,614,028 alleles (0.00012%); highest among the groups gnomAD compares: Non-Finnish European, 0.00017%; no homozygotes.

Submissions (5):

Labcorp Genetics (formerly Invitae), Labcorp
Classification: Likely benign for Neurofibromatosis, type 1. Last evaluated: 2025-05-05. Review status: criteria provided, single submitter. Criteria: Invitae Variant Classification Sherloc (09022015). Collection method: clinical testing. Allele origin: germline.

Ambry Genetics
Classification: Uncertain significance for Cardiovascular phenotype; Hereditary cancer-predisposing syndrome. Last evaluated: 2024-09-10. Review status: criteria provided, single submitter. Criteria: Ambry Variant Classification Scheme 2023. Collection method: clinical testing. Allele origin: germline.
Comment: The p.D1816N variant (also known as c.5446G>A), located in coding exon 37 of the NF1 gene, results from a G to A substitution at nucleotide position 5446. The aspartic acid at codon 1816 is replaced by asparagine, an amino acid with highly similar properties. This amino acid position is highly conserved in available vertebrate species. In addition, the in silico prediction for this alteration is inconclusive. Based on the available evidence, the clinical significance of this variant remains unclear.

Blueprint Genetics
Classification: Uncertain significance. Last evaluated: 2023-09-21. Review status: criteria provided, single submitter. Criteria: ACMG Guidelines, 2015. Collection method: clinical testing. Allele origin: germline.

Center for Human Genetics, Inc
Classification: Pathogenic for Neurofibromatosis, type 1. Last evaluated: 2016-11-01. Review status: criteria provided, single submitter. Criteria: ACMG Guidelines, 2015. Collection method: clinical testing. Allele origin: germline. Affected: yes.

Laboratory for Molecular Medicine, Mass General Brigham Personalized Medicine
Classification: Uncertain significance. Last evaluated: 2015-12-16. Review status: criteria provided, single submitter. Criteria: LMM Criteria. Collection method: clinical testing. Allele origin: germline. Observed: 1 variant allele.
Comment: The p.Asp1837Asn variant in NF1 has not been previously reported in individuals with a RASopathy disorder, but has been identified in 2/66726 European chromosom es by the Exome Aggregation Consortium (ExAC; db SNP rs771597781). Computational prediction tools and conservation analysis do no t provide strong support for or against an impact to the protein. In summary, th e clinical significance of the p.Asp1837Asn variant is uncertain.

NM_001042492.3(NF1):c.5509G>A (p.Asp1837Asn)

Gene: NF1 (neurofibromin 1; plus strand). Cytogenetic location: 17q11.2.
Variant type: single nucleotide variant.
Coding change: c.5509G>A on transcript NM_001042492.3 (MANE Select); coding-DNA position 5509, G replaced by A.
Protein change: p.Asp1837Asn; replaces aspartic acid 1837 with asparagine.
Molecular consequence: missense variant.
Genome position (GRCh38, 1-based): chr17:31,327,739, G>A. VCF-style: chr17-31327739-G-A. GRCh37 (hg19) VCF-style: chr17-29654757-G-A.
Other names: c.5446G>A, p.Asp1816Asn (NM_000267.4); short protein forms D1816N, D1837N.
Identifiers: ClinVar variation 229063 (VCV000229063.17), dbSNP rs771597781, ClinGen allele CA8487185.